The following is an entry in ClinVar:

NM_007294.4(BRCA1):c.848dup (p.Leu283fs)

Gene: BRCA1 (BRCA1 DNA repair associated; minus strand). Cytogenetic location: 17q21.31.
Variant type: Duplication.
Coding change: c.848dup on transcript NM_007294.4 (MANE Select); coding-DNA position 848, one base duplicated (T; older notation c.848dupT).
Protein change: p.Leu283fs; shifts the reading frame from leucine 283.
Molecular consequence: frameshift variant. On other transcripts: 5 prime UTR variant (2), intron variant (137).
Genome position (GRCh38, 1-based): chr17:43,094,683, A duplicated on the plus strand (T on the coding strand, the reverse complement: BRCA1 is on the minus strand); the first of 2 consecutive A bases (chr17:43,094,683-43,094,684); duplicating either gives the same sequence. VCF-style (leftmost placement, unchanged base first): chr17-43094682-T-TA. GRCh37 (hg19) VCF-style: chr17-41246699-T-TA.
Other names: c.848dupT (NM_007294.3); c.848dup (NM_007294.3); c.635dup, p.Leu212fs (NM_001407571.1, NM_001407853.1, NM_001407894.1 and 9 more transcripts); c.848dup, p.Leu283fs (NM_001407581.1, NM_001407582.1, NM_001407583.1 and 30 more transcripts); c.845dup, p.Leu282fs (NM_001407587.1, NM_001407590.1, NM_001407591.1 and 22 more transcripts); c.839dup, p.Leu280fs (NM_001407646.1, NM_001407647.1); c.725dup, p.Leu242fs (NM_001407648.1, NM_001407664.1, NM_001407665.1 and 19 more transcripts); c.722dup, p.Leu241fs (NM_001407649.1, NM_001407670.1, NM_001407671.1 and 11 more transcripts); and 42 more; short protein forms L236fs, L283fs, L155fs, L156fs, L213fs, L215fs, L257fs, L282fs.
Identifiers: ClinVar variation 971603 (VCV000971603.11), dbSNP rs2054036520, ClinGen allele CA1139664804.

ClinVar aggregate classification (germline): Pathogenic/Likely pathogenic. Review status: criteria provided, multiple submitters, no conflicts (2 of 4 stars). 3 submissions from 3 submitters: Pathogenic (2); Likely pathogenic (1). Last evaluated 2026-03-02.

Conditions:
Hereditary breast ovarian cancer syndrome. Also called: Breast and ovarian cancer; BRCA1- and BRCA2-Associated Hereditary Breast and Ovarian Cancer; Hereditary breast and ovarian cancer; Hereditary breast and ovarian cancer syndrome (HBOC); Hereditary breast and/or ovarian cancer syndrome; Hereditary breast and ovarian cancer syndrome. Identifiers: Orphanet 145, MedGen C0677776, MeSH D061325, MONDO:0003582. Disease mechanism: loss of function.
Hereditary cancer-predisposing syndrome. Also called: Hereditary neoplastic syndrome; Tumor predisposition; Neoplastic Syndromes, Hereditary; Hereditary Cancer Syndrome. Identifiers: Orphanet 140162, MedGen C0027672, MeSH D009386, MONDO:0015356.

Submissions (3):

Ambry Genetics
Classification: Pathogenic for Hereditary cancer-predisposing syndrome. Last evaluated: 2026-03-02. Review status: criteria provided, single submitter. Criteria: Ambry Variant Classification Scheme 2023. Collection method: clinical testing. Allele origin: germline.
Comment: The c.848dupT pathogenic mutation, located in coding exon 9 of the BRCA1 gene, results from a duplication of T at nucleotide position 848, causing a translational frameshift with a predicted alternate stop codon (p.L283Ffs*4). This variant is considered to be rare based on population cohorts in the Genome Aggregation Database (gnomAD). This alteration is expected to result in loss of function by premature protein truncation or nonsense-mediated mRNA decay. As such, this alteration is interpreted as a disease-causing mutation.

Quest Diagnostics Nichols Institute San Juan Capistrano
Classification: Likely pathogenic. Last evaluated: 2020-11-14. Review status: criteria provided, single submitter. Criteria: Quest Diagnostics criteria. Collection method: clinical testing. Allele origin: unknown.
Comment: This frameshift variant is predicted to cause the premature termination of BRCA1 protein synthesis. To the best of our knowledge, the variant has not been reported in the published literature. This variant has not been reported in large, multi-ethnic general populations. Based on the available information, we predict that the variant is likely pathogenic.

Labcorp Genetics (formerly Invitae), Labcorp
Classification: Pathogenic for Hereditary breast ovarian cancer syndrome. Last evaluated: 2019-10-08. Review status: criteria provided, single submitter. Criteria: Invitae Variant Classification Sherloc (09022015). Collection method: clinical testing. Allele origin: germline.
Comment: This sequence change creates a premature translational stop signal (p.Leu283Phefs*4) in the BRCA1 gene. It is expected to result in an absent or disrupted protein product. This variant is not present in population databases (ExAC no frequency). This variant has not been reported in the literature in individuals with BRCA1-related conditions. Loss-of-function variants in BRCA1 are known to be pathogenic (PMID: 20104584). For these reasons, this variant has been classified as Pathogenic.

Literature cited by the submitters: PubMed 20104584 (cited by Labcorp Genetics (formerly Invitae), Labcorp).